The following is an entry in ClinVar:

ClinVar aggregate classification (germline): Uncertain significance. Review status: criteria provided, multiple submitters, no conflicts (2 of 4 stars). 2 submissions from 2 submitters: Uncertain significance (2). Last evaluated 2025-04-09.

Conditions:
Multiple congenital anomalies-hypotonia-seizures syndrome 1 (MCAHS1). Also called: PIGN-CDG; Congenital disorder of glycosylation due to PIGN deficiency; GLYCOSYLPHOSPHATIDYLINOSITOL BIOSYNTHESIS DEFECT 3. Identifiers: Orphanet 280633, MedGen C3279775, MONDO:0013563, OMIM 614080.
Inborn genetic diseases. Identifiers: MedGen C0950123, MeSH D030342.

Allele frequency attached by ClinVar (database versions not stated): gnomAD exomes below 0.00001 and 0.00001; TOPMed below 0.00001; ExAC 0.00001.
gnomAD v4.1: 2 of 1,608,716 alleles (0.00012%); highest among the groups gnomAD compares: Admixed American, 0.0017%; no homozygotes.

Submissions (2):

Labcorp Genetics (formerly Invitae), Labcorp
Classification: Uncertain significance for Multiple congenital anomalies-hypotonia-seizures syndrome 1. Last evaluated: 2025-04-09. Review status: criteria provided, single submitter. Criteria: Invitae Variant Classification Sherloc (09022015). Collection method: clinical testing. Allele origin: germline.
Comment: This sequence change replaces tyrosine, which is neutral and polar, with histidine, which is basic and polar, at codon 566 of the PIGN protein (p.Tyr566His). The frequency data for this variant in the population databases is considered unreliable, as metrics indicate poor data quality at this position in the gnomAD database. This variant has not been reported in the literature in individuals affected with PIGN-related conditions. ClinVar contains an entry for this variant (Variation ID: 1026662). Invitae Evidence Modeling of protein sequence and biophysical properties (such as structural, functional, and spatial information, amino acid conservation, physicochemical variation, residue mobility, and thermodynamic stability) indicates that this missense variant is not expected to disrupt PIGN protein function with a negative predictive value of 80%. In summary, the available evidence is currently insufficient to determine the role of this variant in disease. Therefore, it has been classified as a Variant of Uncertain Significance.

Ambry Genetics
Classification: Uncertain significance for Inborn genetic diseases. Last evaluated: 2017-12-18. Review status: criteria provided, single submitter. Criteria: Ambry Variant Classification Scheme 2023. Collection method: clinical testing. Allele origin: germline.
Comment: The p.Y566H variant (also known as c.1696T>C), located in coding exon 16 of the PIGN gene, results from a T to C substitution at nucleotide position 1696. The tyrosine at codon 566 is replaced by histidine, an amino acid with similar properties. This amino acid position is not well conserved in available vertebrate species. In addition, this alteration is predicted to be tolerated by in silico analysis. Since supporting evidence is limited at this time, the clinical significance of this alteration remains unclear.

NM_176787.5(PIGN):c.1696T>C (p.Tyr566His)

Gene: PIGN (phosphatidylinositol glycan anchor biosynthesis class N; minus strand). Cytogenetic location: 18q21.33.
Variant type: single nucleotide variant.
Coding change: c.1696T>C on transcript NM_176787.5 (MANE Select); coding-DNA position 1696, T replaced by C.
Protein change: p.Tyr566His; replaces tyrosine 566 with histidine.
Molecular consequence: missense variant.
Genome position (GRCh38, 1-based): chr18:62,106,860, A>G on the plus strand (T>C on the coding strand, the complement: PIGN is on the minus strand). VCF-style: chr18-62106860-A-G. GRCh37 (hg19) VCF-style: chr18-59774093-A-G.
Other names: c.1696T>C, p.Tyr566His (NM_012327.6); short protein forms Y566H.
Identifiers: ClinVar variation 1026662 (VCV001026662.7), dbSNP rs781624190, ClinGen allele CA8982196.
Genomic context (GRCh38, chr18:62,106,860, plus strand): 5'-TCCACAGCCGAGTGAGAAATGGCCAAGCTGCAAAGGCAGTAAGTCCAGCGGTAAGCATAT[A>G]GCGGTAGAAAAAACTGAGAACCTAGTAATGCATTCCAAAGAAGGAATGAAAAATAAGGTC-3'
Protein context (NP_789744.1, residues 556-576): EVLVLSFFYR[Tyr566His]MLTAGLTAFA